The following is an entry in ClinVar:

ClinVar aggregate classification (germline): Uncertain significance (1 of 4 stars; one submission).

Conditions:
Hereditary cancer-predisposing syndrome. Also called: Hereditary Cancer Syndrome; Hereditary neoplastic syndrome; Neoplastic Syndromes, Hereditary; Tumor predisposition. Identifiers: Orphanet 140162, MedGen C0027672, MeSH D009386, MONDO:0015356.

gnomAD v4.1: 4 of 1,603,032 alleles (0.00025%); highest among the groups gnomAD compares: South Asian, 0.0011%; no homozygotes.

Submission:

Labcorp Genetics (formerly Invitae), Labcorp
Classification: Uncertain significance for Hereditary cancer-predisposing syndrome. Last evaluated: 2024-01-18. Review status: criteria provided, single submitter. Criteria: Invitae Variant Classification Sherloc (09022015). Collection method: clinical testing. Allele origin: germline.
Comment: This sequence change replaces isoleucine, which is neutral and non-polar, with arginine, which is basic and polar, at codon 94 of the RAD50 protein (p.Ile94Arg). This variant is not present in population databases (gnomAD no frequency). This missense change has been observed to co-occur in individuals with a different variant in RAD50 that has been determined to be pathogenic (Invitae), but the significance of this finding is unclear. ClinVar contains an entry for this variant (Variation ID: 216627). Advanced modeling of protein sequence and biophysical properties (such as structural, functional, and spatial information, amino acid conservation, physicochemical variation, residue mobility, and thermodynamic stability) performed at Invitae indicates that this missense variant is not expected to disrupt RAD50 protein function with a negative predictive value of 80%. In summary, the available evidence is currently insufficient to determine the role of this variant in disease. Therefore, it has been classified as a Variant of Uncertain Significance.

NM_005732.4(RAD50):c.281T>G (p.Ile94Arg)

Gene: RAD50 (RAD50 double strand break repair protein; plus strand). Cytogenetic location: 5q31.1.
Variant type: single nucleotide variant.
Coding change: c.281T>G on transcript NM_005732.4 (MANE Select); coding-DNA position 281, T replaced by G.
Protein change: p.Ile94Arg; replaces isoleucine 94 with arginine.
Molecular consequence: missense variant.
Genome position (GRCh38, 1-based): chr5:132,575,844, T>G. VCF-style: chr5-132575844-T-G. GRCh37 (hg19) VCF-style: chr5-131911536-T-G.
Other names: short protein forms I94R.
Identifiers: ClinVar variation 216627 (VCV000216627.9), dbSNP rs768127412, ClinGen allele CA338632.
Genomic context (GRCh38, chr5:132,575,844, plus strand): 5'-AAGAAACAGATGTGAGAGCCCAGATTCGTCTGCAATTTCGTGATGTCAATGGAGAACTTA[T>G]AGCTGTGCAAAGATCTATGGTGTGTACTCAGAAAAGCAAAAAGACAGAATTTAAAACTCT-3'
Protein context (NP_005723.2, residues 84-104): LQFRDVNGEL[Ile94Arg]AVQRSMVCTQ